The following is an entry in ClinVar:

ClinVar aggregate classification (germline): Uncertain significance (1 of 4 stars; one submission).

Allele frequency attached by ClinVar (database versions not stated): gnomAD exomes below 0.00001; ExAC 0.00001; gnomAD 0.00003; TOPMed 0.00004.
gnomAD v4.1: 6 of 1,614,106 alleles (0.00037%); highest among the groups gnomAD compares: African/African-American, 0.008%; no homozygotes.

Submission:

Labcorp Genetics (formerly Invitae), Labcorp
Classification: Uncertain significance. Last evaluated: 2024-12-09. Review status: criteria provided, single submitter. Criteria: Invitae Variant Classification Sherloc (09022015). Collection method: clinical testing. Allele origin: germline.
Comment: This sequence change replaces lysine, which is basic and polar, with asparagine, which is neutral and polar, at codon 609 of the TNFAIP3 protein (p.Lys609Asn). This variant is present in population databases (rs781780756, gnomAD 0.007%). This variant has not been reported in the literature in individuals affected with TNFAIP3-related conditions. ClinVar contains an entry for this variant (Variation ID: 1922697). Invitae Evidence Modeling of protein sequence and biophysical properties (such as structural, functional, and spatial information, amino acid conservation, physicochemical variation, residue mobility, and thermodynamic stability) indicates that this missense variant is not expected to disrupt TNFAIP3 protein function with a negative predictive value of 80%. In summary, the available evidence is currently insufficient to determine the role of this variant in disease. Therefore, it has been classified as a Variant of Uncertain Significance.

NM_001270508.2(TNFAIP3):c.1827A>T (p.Lys609Asn)

Gene: TNFAIP3 (TNF alpha induced protein 3; plus strand). Cytogenetic location: 6q23.3.
Variant type: single nucleotide variant.
Coding change: c.1827A>T on transcript NM_001270508.2 (MANE Select); coding-DNA position 1827, A replaced by T.
Protein change: p.Lys609Asn; replaces lysine 609 with asparagine.
Molecular consequence: missense variant.
Genome position (GRCh38, 1-based): chr6:137,879,272, A>T. VCF-style: chr6-137879272-A-T. GRCh37 (hg19) VCF-style: chr6-138200409-A-T.
Other names: c.1827A>T, p.Lys609Asn (NM_001270507.2, NM_006290.4); short protein forms K609N.
Identifiers: ClinVar variation 1922697 (VCV001922697.5), dbSNP rs781780756, ClinGen allele CA4019718.